The following is an entry in ClinVar:

ClinVar aggregate classification (germline): Conflicting classifications of pathogenicity. Review status: criteria provided, conflicting classifications (1 of 4 stars). 6 submissions from 6 submitters: Uncertain significance (1); Likely benign (4). 1 of the submissions does not count toward it. Last evaluated 2025-05-30.

Conditions:
SMARCAL1-related disorder. Also called: SMARCAL1-related condition.
Schimke immuno-osseous dysplasia (SIOD). Also called: Schimke Immunoosseous Dysplasia. Identifiers: Orphanet 1830, MedGen C0877024, MONDO:0009458, OMIM 242900.
Focal segmental glomerulosclerosis (FSGS). Also called: Glomerulosclerosis, focal; Focal sclerosis with hyalinosis. Identifiers: MedGen C0017668, MONDO:0100313, HP:0000097. Disease mechanism: loss of function.

Allele frequency attached by ClinVar (database versions not stated): ExAC 0.00003; gnomAD exomes 0.00003; TOPMed 0.00007; ESP Exome Variant Server 0.00008; gnomAD 0.00009 and 0.00011.
gnomAD v4.1: 187 of 1,613,854 alleles (0.012%); highest among the groups gnomAD compares: African/African-American, 0.017%; no homozygotes.

Submissions (6):

Labcorp Genetics (formerly Invitae), Labcorp
Classification: Likely benign for Schimke immuno-osseous dysplasia. Last evaluated: 2025-05-30. Review status: criteria provided, single submitter. Criteria: Invitae Variant Classification Sherloc (09022015). Collection method: clinical testing. Allele origin: germline.

PreventionGenetics, part of Exact Sciences
Classification: Likely benign for SMARCAL1-related condition. Last evaluated: 2025-02-07. Review status: criteria provided, single submitter. Criteria: ACMG Guidelines, 2015. Collection method: clinical testing. Allele origin: germline.
Comment: This variant is classified as likely benign based on ACMG/AMP sequence variant interpretation guidelines (Richards et al. 2015 PMID: 25741868, with internal and published modifications).

Blueprint Genetics
Classification: Likely benign. Last evaluated: 2024-05-07. Review status: criteria provided, single submitter. Criteria: ACMG Guidelines, 2015. Collection method: clinical testing. Allele origin: germline.

Fulgent Genetics
Classification: Likely benign for Schimke immuno-osseous dysplasia. Last evaluated: 2021-11-24. Review status: criteria provided, single submitter. Criteria: ACMG Guidelines, 2015. Collection method: clinical testing. Allele origin: unknown.

Genome Diagnostics Laboratory, The Hospital for Sick Children
Classification: Uncertain significance for Focal segmental glomerulosclerosis. Last evaluated: 2019-05-01. Review status: criteria provided, single submitter. Criteria: ACMG Guidelines, 2015. Collection method: clinical testing. Allele origin: germline.

Natera, Inc.
Classification: Likely benign for Schimke immuno-osseous dysplasia. Last evaluated: 2020-05-02. Review status: no assertion criteria provided. Collection method: clinical testing. Allele origin: germline. Not counted in ClinVar's aggregate classification.

NM_014140.4(SMARCAL1):c.1776G>A (p.Thr592=)

Gene: SMARCAL1 (SNF2 related chromatin remodeling annealing helicase 1; plus strand). Cytogenetic location: 2q35.
Variant type: single nucleotide variant.
Coding change: c.1776G>A on transcript NM_014140.4 (MANE Select); coding-DNA position 1776, G replaced by A.
Protein change: p.Thr592=; no amino-acid change (threonine 592 retained).
Molecular consequence: synonymous variant.
Genome position (GRCh38, 1-based): chr2:216,447,083, G>A. VCF-style: chr2-216447083-G-A. GRCh37 (hg19) VCF-style: chr2-217311806-G-A.
Other names: c.1776G>A, p.Thr592= (NM_001127207.2).
Identifiers: ClinVar variation 791013 (VCV000791013.16), dbSNP rs372995559, ClinGen allele CA2098003.